The following is an entry in ClinVar:

ClinVar aggregate classification (germline): Pathogenic (1 of 4 stars; one submission).

Conditions:
Neurofibromatosis, type 1 (NF1). Also called: NEUROFIBROMATOSIS, TYPE I, SOMATIC; Peripheral type neurofibromatosis; Neurofibromatosis, type I; VON RECKLINGHAUSEN DISEASE. Identifiers: Orphanet 636, MedGen C0027831, MONDO:0018975, OMIM 162200. Disease mechanism: loss of function.

Submission:

Labcorp Genetics (formerly Invitae), Labcorp
Classification: Pathogenic for Neurofibromatosis, type 1. Last evaluated: 2023-07-26. Review status: criteria provided, single submitter. Criteria: Invitae Variant Classification Sherloc (09022015). Collection method: clinical testing. Allele origin: germline.
Comment: For these reasons, this variant has been classified as Pathogenic. This variant has not been reported in the literature in individuals affected with NF1-related conditions. This sequence change creates a premature translational stop signal (p.Trp1641Cysfs*36) in the NF1 gene. It is expected to result in an absent or disrupted protein product. Loss-of-function variants in NF1 are known to be pathogenic (PMID: 10712197, 23913538). This variant is not present in population databases (gnomAD no frequency).

Literature cited by the submitters: PubMed 10712197; PubMed 23913538.

NM_001042492.3(NF1):c.4986del (p.Trp1662fs)

Gene: NF1 (neurofibromin 1; plus strand). Cytogenetic location: 17q11.2.
Variant type: Deletion.
Coding change: c.4986del on transcript NM_001042492.3 (MANE Select); coding-DNA position 4986, one base deleted (G; older notation c.4986delG).
Protein change: p.Trp1662fs; shifts the reading frame from tryptophan 1662.
Molecular consequence: frameshift variant.
Genome position (GRCh38, 1-based): chr17:31,325,970, G deleted; the last of 2 consecutive G bases (chr17:31,325,969-31,325,970); deleting either gives the same sequence. VCF-style (leftmost placement, unchanged base first): chr17-31325968-TG-T. GRCh37 (hg19) VCF-style: chr17-29652986-TG-T.
Other names: c.4923delG, p.Trp1641Cysfs (NM_000267.4); short protein forms W1641fs, W1662fs.
Identifiers: ClinVar variation 2954641 (VCV002954641.3), dbSNP rs2508695807, ClinGen allele CA2740095305.